The following is an entry in ClinVar:

NM_002109.6(HARS1):c.519G>T (p.Gln173His)

Gene: HARS1 (histidyl-tRNA synthetase 1; minus strand). Cytogenetic location: 5q31.3.
Variant type: single nucleotide variant.
Coding change: c.519G>T on transcript NM_002109.6 (MANE Select); coding-DNA position 519, G replaced by T.
Protein change: p.Gln173His; replaces glutamine 173 with histidine.
Molecular consequence: missense variant. On other transcripts: intron variant (4).
Genome position (GRCh38, 1-based): chr5:140,679,005, C>A on the plus strand (G>T on the coding strand, the complement: HARS1 is on the minus strand). VCF-style: chr5-140679005-C-A. GRCh37 (hg19) VCF-style: chr5-140058590-C-A.
Other names: c.399G>T, p.Gln133His (NM_001258040.3); c.432G>T, p.Gln144His (NM_001289094.2); c.181-990G>T (NM_001289093.2); c.342+57G>T (NM_001258042.3); c.301-990G>T (NM_001289092.2); c.462+57G>T (NM_001258041.3); short protein forms Q133H, Q144H, Q173H.
Identifiers: ClinVar variation 3603111 (VCV003603111.1).

ClinVar aggregate classification (germline): Uncertain significance (1 of 4 stars; one submission).

gnomAD v4.1: 1 of 1,613,836 alleles (0.000062%); highest among the groups gnomAD compares: Non-Finnish European, 0.000085%; no homozygotes.

Submission:

GeneDx
Classification: Uncertain significance. Last evaluated: 2024-08-05. Review status: criteria provided, single submitter. Criteria: GeneDx Variant Classification Process June 2021. Collection method: clinical testing. Allele origin: germline. Affected: yes.
Comment: Not observed at significant frequency in large population cohorts (gnomAD); In silico analysis supports that this missense variant has a deleterious effect on protein structure/function; Has not been previously published as pathogenic or benign to our knowledge